The following is an entry in ClinVar:

NM_014698.3(TMEM63A):c.2251-6T>C

Gene: TMEM63A (transmembrane protein 63A; minus strand). Cytogenetic location: 1q42.12.
Variant type: single nucleotide variant.
Coding change: c.2251-6T>C on transcript NM_014698.3 (MANE Select); 6 bases into the intron before coding-DNA position 2251, T replaced by C.
Molecular consequence: intron variant.
Genome position (GRCh38, 1-based): chr1:225,847,219, A>G on the plus strand (T>C on the coding strand, the complement: TMEM63A is on the minus strand). VCF-style: chr1-225847219-A-G. GRCh37 (hg19) VCF-style: chr1-226034920-A-G.
Other names: c.2251-6T>C (NM_014698.2).
Identifiers: ClinVar variation 2570753 (VCV002570753.28), dbSNP rs12121252, ClinGen allele CA1418834.

ClinVar aggregate classification (germline): Likely benign. Review status: criteria provided, single submitter (1 of 4 stars). 2 submissions from 2 submitters: Likely benign (1). 1 of the submissions does not count toward it. Last evaluated 2026-10-01.

Conditions:
TMEM63A-related disorder. Also called: TMEM63A-related condition.

Allele frequency attached by ClinVar (database versions not stated): 1000 Genomes Project 30x 0.00172; 1000 Genomes Project 0.00180; gnomAD 0.00412; ExAC 0.00419; ESP Exome Variant Server 0.00446; TOPMed 0.00485; gnomAD exomes 0.00636.
gnomAD v4.1: 9,909 of 1,612,192 alleles (0.61%); highest among the groups gnomAD compares: Non-Finnish European, 0.75%; 39 homozygotes.

Submissions (2):

CeGaT Center for Human Genetics Tuebingen
Classification: Likely benign. Last evaluated: 2026-10-01. Review status: criteria provided, single submitter. Criteria: CeGaT Center For Human Genetics Tuebingen Variant Classification Criteria Version 2. Collection method: clinical testing. Allele origin: germline. Affected: yes. Observed: 19 variant alleles.
Comment: TMEM63A: BP4, BS2

PreventionGenetics, part of Exact Sciences
Classification: Likely benign for TMEM63A-related condition. Last evaluated: 2023-02-01. Review status: no assertion criteria provided. Collection method: clinical testing. Allele origin: germline. Not counted in ClinVar's aggregate classification.
Comment: This variant is classified as likely benign based on ACMG/AMP sequence variant interpretation guidelines (Richards et al. 2015 PMID: 25741868, with internal and published modifications).